The following is an entry in ClinVar:

ClinVar aggregate classification (germline): Likely benign (1 of 4 stars; one submission).

Allele frequency attached by ClinVar (database versions not stated): gnomAD exomes below 0.00001.
gnomAD v4.1: 2 of 1,591,528 alleles (0.00013%); highest among the groups gnomAD compares: Non-Finnish European, 0.00017%; no homozygotes.

Submission:

CeGaT Center for Human Genetics Tuebingen
Classification: Likely benign. Last evaluated: 2023-01-01. Review status: criteria provided, single submitter. Criteria: CeGaT Center For Human Genetics Tuebingen Variant Classification Criteria Version 2. Collection method: clinical testing. Allele origin: germline. Affected: yes. Observed: 1 variant allele.
Comment: PRR12: PM2:Supporting, BP4, BP7

NM_020719.3(PRR12):c.5712A>G (p.Pro1904=)

Gene: PRR12 (proline rich 12; plus strand). Cytogenetic location: 19q13.33.
Variant type: single nucleotide variant.
Coding change: c.5712A>G on transcript NM_020719.3 (MANE Select); coding-DNA position 5712, A replaced by G.
Protein change: p.Pro1904=; no amino-acid change (proline 1904 retained).
Molecular consequence: synonymous variant.
Genome position (GRCh38, 1-based): chr19:49,621,613, A>G. VCF-style: chr19-49621613-A-G. GRCh37 (hg19) VCF-style: chr19-50124870-A-G.
Identifiers: ClinVar variation 2650273 (VCV002650273.24), dbSNP rs1379942345, ClinGen allele CA508124139.